The following is an entry in ClinVar:

ClinVar aggregate classification (germline): Uncertain significance. Review status: criteria provided, multiple submitters, no conflicts (2 of 4 stars). 2 submissions from 2 submitters: Uncertain significance (2). Last evaluated 2024-09-08.

gnomAD v4.1: 9 of 1,552,478 alleles (0.00058%); highest among the groups gnomAD compares: Non-Finnish European, 0.0007%; no homozygotes.

Submissions (2):

Labcorp Genetics (formerly Invitae), Labcorp
Classification: Uncertain significance. Last evaluated: 2024-09-08. Review status: criteria provided, single submitter. Criteria: Invitae Variant Classification Sherloc (09022015). Collection method: clinical testing. Allele origin: germline.
Comment: This sequence change replaces glycine, which is neutral and non-polar, with serine, which is neutral and polar, at codon 48 of the COL9A2 protein (p.Gly48Ser). This variant is not present in population databases (gnomAD no frequency). This variant has not been reported in the literature in individuals affected with COL9A2-related conditions. Experimental studies and prediction algorithms are not available or were not evaluated, and the functional significance of this variant is currently unknown. In summary, the available evidence is currently insufficient to determine the role of this variant in disease. Therefore, it has been classified as a Variant of Uncertain Significance.

Blueprint Genetics
Classification: Uncertain significance. Last evaluated: 2024-06-20. Review status: criteria provided, single submitter. Criteria: ACMG Guidelines, 2015. Collection method: clinical testing. Allele origin: germline.

NM_001852.4(COL9A2):c.142G>A (p.Gly48Ser)

Gene: COL9A2 (collagen type IX alpha 2 chain; minus strand). Cytogenetic location: 1p34.2.
Variant type: single nucleotide variant.
Coding change: c.142G>A on transcript NM_001852.4 (MANE Select); coding-DNA position 142, G replaced by A.
Protein change: p.Gly48Ser; replaces glycine 48 with serine.
Molecular consequence: missense variant.
Genome position (GRCh38, 1-based): chr1:40,315,598, C>T on the plus strand (G>A on the coding strand, the complement: COL9A2 is on the minus strand). VCF-style: chr1-40315598-C-T. GRCh37 (hg19) VCF-style: chr1-40781270-C-T.
Other names: short protein forms G48S.
Identifiers: ClinVar variation 3629431 (VCV003629431.3).